The following is an entry in ClinVar:

NM_020964.3(EPG5):c.2239T>C (p.Cys747Arg)

Gene: EPG5 (ectopic P-granules 5 autophagy tethering factor; minus strand). Cytogenetic location: 18q21.1.
Variant type: single nucleotide variant.
Coding change: c.2239T>C on transcript NM_020964.3 (MANE Select); coding-DNA position 2239, T replaced by C.
Protein change: p.Cys747Arg; replaces cysteine 747 with arginine.
Molecular consequence: missense variant.
Genome position (GRCh38, 1-based): chr18:45,934,827, A>G on the plus strand (T>C on the coding strand, the complement: EPG5 is on the minus strand). VCF-style: chr18-45934827-A-G. GRCh37 (hg19) VCF-style: chr18-43514793-A-G.
Other names: short protein forms C747R.
Identifiers: ClinVar variation 1315205 (VCV001315205.2), dbSNP rs1443228798, ClinGen allele CA402347546.

ClinVar aggregate classification (germline): Uncertain significance (1 of 4 stars; one submission).

Allele frequency attached by ClinVar (database versions not stated): gnomAD 0.00001; TOPMed 0.00002.
gnomAD v4.1: 4 of 1,613,454 alleles (0.00025%); highest among the groups gnomAD compares: Admixed American, 0.0033%; no homozygotes.

Submission:

GeneDx
Classification: Uncertain significance. Last evaluated: 2020-03-06. Review status: criteria provided, single submitter. Criteria: GeneDx Variant Classification Process June 2021. Collection method: clinical testing. Allele origin: germline. Affected: yes.
Comment: Not observed in large population cohorts (Lek et al., 2016); In silico analysis supports that this missense variant has a deleterious effect on protein structure/function; Has not been previously published as pathogenic or benign to our knowledge